The following is an entry in ClinVar:

ClinVar aggregate classification (germline): Uncertain significance (1 of 4 stars; one submission).

Conditions:
Joubert syndrome. Also called: CEREBELLOPARENCHYMAL DISORDER IV; JOUBERT-BOLTSHAUSER SYNDROME; Familial aplasia of the vermis. Identifiers: Orphanet 475, MedGen C5979921, MONDO:0018772.
Orofaciodigital syndrome I (OFD1). Also called: OFDS I; Papillon-Leage and Psaume Syndrome; Oral-Facial-Digital Syndrome Type I. Identifiers: Orphanet 2750, MedGen C1510460, MONDO:0010702, OMIM 311200.

Submission:

Labcorp Genetics (formerly Invitae), Labcorp
Classification: Uncertain significance for Orofaciodigital syndrome I; Joubert syndrome. Last evaluated: 2025-10-21. Review status: criteria provided, single submitter. Criteria: Invitae Variant Classification Sherloc (09022015). Collection method: clinical testing. Allele origin: germline.
Comment: This sequence change replaces histidine, which is basic and polar, with glutamine, which is neutral and polar, at codon 274 of the OFD1 protein (p.His274Gln). This variant is not present in population databases (gnomAD no frequency). This variant has not been reported in the literature in individuals affected with OFD1-related conditions. ClinVar contains an entry for this variant (Variation ID: 2946649). Invitae Evidence Modeling of protein sequence and biophysical properties (such as structural, functional, and spatial information, amino acid conservation, physicochemical variation, residue mobility, and thermodynamic stability) indicates that this missense variant is not expected to disrupt OFD1 protein function with a negative predictive value of 80%. In summary, the available evidence is currently insufficient to determine the role of this variant in disease. Therefore, it has been classified as a Variant of Uncertain Significance.

NM_003611.3(OFD1):c.822C>G (p.His274Gln)

Gene: OFD1 (OFD1 centriole and centriolar satellite protein; plus strand). Cytogenetic location: Xp22.2.
Variant type: single nucleotide variant.
Coding change: c.822C>G on transcript NM_003611.3 (MANE Select); coding-DNA position 822, C replaced by G.
Protein change: p.His274Gln; replaces histidine 274 with glutamine.
Molecular consequence: missense variant.
Genome position (GRCh38, 1-based): chrX:13,746,947, C>G. VCF-style: chrX-13746947-C-G. GRCh37 (hg19) VCF-style: chrX-13765066-C-G.
Other names: c.822C>G, p.His274Gln (NM_001330209.2); c.402C>G, p.His134Gln (NM_001330210.2); short protein forms H134Q, H274Q.
Identifiers: ClinVar variation 2946649 (VCV002946649.3), dbSNP rs1187626286, ClinGen allele CA412338195.